The following is an entry in ClinVar:

ClinVar aggregate classification (germline): Uncertain significance (1 of 4 stars; one submission).

Submission:

GeneDx
Classification: Uncertain significance. Last evaluated: 2026-02-08. Review status: criteria provided, single submitter. Criteria: GeneDx Variant Classification Process June 2021. Collection method: clinical testing. Allele origin: germline.
Comment: Not observed at significant frequency in large population cohorts (gnomAD); In silico analysis suggests that this missense variant does not alter protein structure/function; Has not been previously published as pathogenic or benign to our knowledge

NM_001291303.3(FAT4):c.268C>A (p.Leu90Met)

Gene: FAT4 (FAT atypical cadherin 4; plus strand). Cytogenetic location: 4q28.1.
Variant type: single nucleotide variant.
Coding change: c.268C>A on transcript NM_001291303.3 (MANE Select); coding-DNA position 268, C replaced by A.
Protein change: p.Leu90Met; replaces leucine 90 with methionine.
Molecular consequence: missense variant.
Genome position (GRCh38, 1-based): chr4:125,316,679, C>A. VCF-style: chr4-125316679-C-A. GRCh37 (hg19) VCF-style: chr4-126237834-C-A.
Other names: c.268C>A, p.Leu90Met (NM_001291285.3, NM_024582.6); short protein forms L90M.
Identifiers: ClinVar variation 3897468 (VCV003897468.2).